The following is an entry in ClinVar:

NM_004006.3(DMD):c.2491A>G (p.Asn831Asp)

Gene: DMD (dystrophin; minus strand). Cytogenetic location: Xp21.1.
Variant type: single nucleotide variant.
Coding change: c.2491A>G on transcript NM_004006.3 (MANE Select); coding-DNA position 2491, A replaced by G.
Protein change: p.Asn831Asp; replaces asparagine 831 with aspartic acid.
Molecular consequence: missense variant.
Genome position (GRCh38, 1-based): chrX:32,491,408, T>C on the plus strand (A>G on the coding strand, the complement: DMD is on the minus strand). VCF-style: chrX-32491408-T-C. GRCh37 (hg19) VCF-style: chrX-32509525-T-C.
Other names: c.2467A>G, p.Asn823Asp (NM_000109.4); c.2479A>G, p.Asn827Asp (NM_004009.3); c.2122A>G, p.Asn708Asp (NM_004010.3); short protein forms N827D, N831D, N823D, N708D.
Identifiers: ClinVar variation 3634850 (VCV003634850.2).

ClinVar aggregate classification (germline): Uncertain significance (1 of 4 stars; one submission).

Conditions:
Duchenne muscular dystrophy (DMD). Also called: MUSCULAR DYSTROPHY, PSEUDOHYPERTROPHIC PROGRESSIVE, DUCHENNE TYPE; Duchenne Muscular Dystrophy (DMD). Identifiers: Orphanet 98896, MedGen C0013264, MONDO:0010679, OMIM 310200.

Submission:

Labcorp Genetics (formerly Invitae), Labcorp
Classification: Uncertain significance for Duchenne muscular dystrophy. Last evaluated: 2024-11-18. Review status: criteria provided, single submitter. Criteria: Invitae Variant Classification Sherloc (09022015). Collection method: clinical testing. Allele origin: germline.
Comment: This sequence change replaces asparagine, which is neutral and polar, with aspartic acid, which is acidic and polar, at codon 831 of the DMD protein (p.Asn831Asp). This variant is not present in population databases (gnomAD no frequency). This variant has not been reported in the literature in individuals affected with DMD-related conditions. Invitae Evidence Modeling of protein sequence and biophysical properties (such as structural, functional, and spatial information, amino acid conservation, physicochemical variation, residue mobility, and thermodynamic stability) indicates that this missense variant is not expected to disrupt DMD protein function with a negative predictive value of 95%. In summary, the available evidence is currently insufficient to determine the role of this variant in disease. Therefore, it has been classified as a Variant of Uncertain Significance.